The following is an entry in ClinVar:

NM_001330260.2(SCN8A):c.1462G>A (p.Ala488Thr)

Gene: SCN8A (sodium voltage-gated channel alpha subunit 8; plus strand). Cytogenetic location: 12q13.13.
Variant type: single nucleotide variant.
Coding change: c.1462G>A on transcript NM_001330260.2 (MANE Select); coding-DNA position 1462, G replaced by A.
Protein change: p.Ala488Thr; replaces alanine 488 with threonine.
Molecular consequence: missense variant.
Genome position (GRCh38, 1-based): chr12:51,706,542, G>A. VCF-style: chr12-51706542-G-A. GRCh37 (hg19) VCF-style: chr12-52100326-G-A.
Other names: c.1462G>A, p.Ala488Thr (NM_001177984.3, NM_001369788.1, NM_014191.4); short protein forms A488T.
Identifiers: ClinVar variation 4808623 (VCV004808623.1).
Genomic context (GRCh38, chr12:51,706,542, plus strand): 5'-GAAGAAGGAGGGGGCTCCCCTCGGAGCTCTTCTGAAATCTCTAAACTCAGCTCAAAGAGT[G>A]CAAAGGAAAGACGTAACAGGAGAAAGAAGAGGAAGCAAAAGGAACTCTCTGAAGGAGAGG-3'
Protein context (NP_001317189.1, residues 478-498): SEISKLSSKS[Ala488Thr]KERRNRRKKR

ClinVar aggregate classification (germline): Uncertain significance (1 of 4 stars; one submission).

Conditions:
Early-infantile DEE. Also called: Early infantile epileptic encephalopathy; Early infantile epileptic encephalopathy with suppression bursts; Ohtahara syndrome. Identifiers: Orphanet 1934, MedGen C0393706, MONDO:0800491.

gnomAD v4.1: 3 of 1,606,622 alleles (0.00019%); highest among the groups gnomAD compares: Non-Finnish European, 0.00026%; no homozygotes.

Submission:

Labcorp Genetics (formerly Invitae), Labcorp
Classification: Uncertain significance for Early-infantile DEE. Last evaluated: 2025-02-18. Review status: criteria provided, single submitter. Criteria: Invitae Variant Classification Sherloc (09022015). Collection method: clinical testing. Allele origin: germline.
Comment: This sequence change replaces alanine, which is neutral and non-polar, with threonine, which is neutral and polar, at codon 488 of the SCN8A protein (p.Ala488Thr). This variant is present in population databases (rs200027738, gnomAD 0.002%). This variant has not been reported in the literature in individuals affected with SCN8A-related conditions. Invitae Evidence Modeling of protein sequence and biophysical properties (such as structural, functional, and spatial information, amino acid conservation, physicochemical variation, residue mobility, and thermodynamic stability) indicates that this missense variant is not expected to disrupt SCN8A protein function with a negative predictive value of 95%. In summary, the available evidence is currently insufficient to determine the role of this variant in disease. Therefore, it has been classified as a Variant of Uncertain Significance.